The following is an entry in ClinVar:

NM_000126.4(ETFA):c.563-1G>A

Gene: ETFA (electron transfer flavoprotein subunit alpha; minus strand). Cytogenetic location: 15q24.2.
Variant type: single nucleotide variant.
Coding change: c.563-1G>A on transcript NM_000126.4 (MANE Select); the canonical splice acceptor site of the intron before coding-DNA position 563, G replaced by A.
Molecular consequence: splice acceptor variant.
Genome position (GRCh38, 1-based): chr15:76,285,739, C>T on the plus strand (G>A on the coding strand, the complement: ETFA is on the minus strand). VCF-style: chr15-76285739-C-T. GRCh37 (hg19) VCF-style: chr15-76578080-C-T.
Other names: c.416-1G>A (NM_001127716.2).
Identifiers: ClinVar variation 4851942 (VCV004851942.1).

ClinVar aggregate classification (germline): Pathogenic (1 of 4 stars; one submission).

Submission:

Dasa
Classification: Pathogenic. Last evaluated: 2026-02-26. Review status: criteria provided, single submitter. Criteria: DASA Assertion Criteria. Collection method: clinical testing. Allele origin: germline.
Comment: NM_000126.4(ETFA):c.563-1G>A affects a canonical splice site and is predicted to disrupt normal RNA splicing, leading to loss of normal protein function. Loss-of-function is an established mechanism of disease for this gene. This variant has been reported in individuals with related phenotype (PMID: 36406819). The variant is present at low frequency in population datasets. Based on the available data, this variant is classified as pathogenic.

Literature cited by the submitters: PubMed 36406819.